The following is an entry in ClinVar:

ClinVar aggregate classification (germline): Uncertain significance (1 of 4 stars; one submission).

Submission:

Dasa
Classification: Uncertain significance. Last evaluated: 2025-10-17. Review status: criteria provided, single submitter. Criteria: DASA Assertion Criteria. Collection method: clinical testing. Allele origin: germline.
Comment: NM_000834.5(GRIN2B):c.1744C>A (p.Pro582Thr) is a missense variant that results in the substitution of proline with threonine. The affected residue or protein region has prior evidence supporting clinical relevance. This variant is absent from population databases. The currently available literature and clinical evidence are not sufficient to establish a definitive association between this variant and the reported condition. Therefore, this variant is classified as a variant of uncertain significance.

NM_000834.5(GRIN2B):c.1744C>A (p.Pro582Thr)

Gene: GRIN2B (glutamate ionotropic receptor NMDA type subunit 2B; minus strand). Cytogenetic location: 12p13.1.
Variant type: single nucleotide variant.
Coding change: c.1744C>A on transcript NM_000834.5 (MANE Select); coding-DNA position 1744, C replaced by A.
Protein change: p.Pro582Thr; replaces proline 582 with threonine.
Molecular consequence: missense variant.
Genome position (GRCh38, 1-based): chr12:13,611,761, G>T on the plus strand (C>A on the coding strand, the complement: GRIN2B is on the minus strand). VCF-style: chr12-13611761-G-T. GRCh37 (hg19) VCF-style: chr12-13764695-G-T.
Other names: c.1744C>A, p.Pro582Thr (NM_001413992.1); short protein forms P582T.
Identifiers: ClinVar variation 4882866 (VCV004882866.2).
Genomic context (GRCh38, chr12:13,611,761, plus strand): 5'-TGCAGCGGTTCCAGCCGGCCTTACCTCTGCCATCAGCGAGGCACCTGTTATAACCCACAG[G>T]GCTGAAGTACTCAAAGACAAAGACAGCCACGGCTGAGACGATGAGCAGCATCACAAACAT-3'
Protein context (NP_000825.2, residues 572-592): VAVFVFEYFS[Pro582Thr]VGYNRCLADG